The following is an entry in ClinVar:

NM_002890.3(RASA1):c.1340_1345del (p.Glu447_Gln448del)

Genes: CCNH (cyclin H; minus strand), RASA1 (RAS p21 protein activator 1; plus strand). Cytogenetic location: 5q14.3.
Variant type: Deletion.
Coding change: c.1340_1345del on transcript NM_002890.3 (MANE Select); coding-DNA positions 1340 to 1345, 6 bases deleted (AACAAG; older notation c.1340_1345delAACAAG).
Protein change: p.Glu447_Gln448del.
Molecular consequence: inframe deletion. On other transcripts: intron variant (1).
Genome position (GRCh38, 1-based): chr5:87,362,558-87,362,563, AACAAG deleted; deleting any 6 consecutive bases within chr5:87,362,554-87,362,563 gives the same sequence; the c. name uses the placement nearest the transcript's 3' end. VCF-style (leftmost placement, unchanged base first): chr5-87362553-TCAAGAA-T. GRCh37 (hg19) VCF-style: chr5-86658370-TCAAGAA-T.
Other names: c.809_814del, p.Glu270_Gln271del (NM_022650.3); c.933+32485_933+32490del (NM_001364075.2).
Identifiers: ClinVar variation 4710898 (VCV004710898.1).

ClinVar aggregate classification (germline): Uncertain significance (1 of 4 stars; one submission).

Conditions:
Capillary malformation-arteriovenous malformation syndrome. Also called: Capillary malformation-arteriovenous malformation. Identifiers: Orphanet 137667, MedGen C1842180, MONDO:0012016.

Submission:

Labcorp Genetics (formerly Invitae), Labcorp
Classification: Uncertain significance for Capillary malformation-arteriovenous malformation syndrome. Last evaluated: 2025-03-05. Review status: criteria provided, single submitter. Criteria: Invitae Variant Classification Sherloc (09022015). Collection method: clinical testing. Allele origin: germline.
Comment: This variant, c.1340_1345del, results in the deletion of 2 amino acid(s) of the RASA1 protein (p.Glu447_Gln448del), but otherwise preserves the integrity of the reading frame. This variant is not present in population databases (gnomAD no frequency). This variant has not been reported in the literature in individuals affected with RASA1-related conditions. Experimental studies and prediction algorithms are not available or were not evaluated, and the functional significance of this variant is currently unknown. In summary, the available evidence is currently insufficient to determine the role of this variant in disease. Therefore, it has been classified as a Variant of Uncertain Significance.